The following is an entry in ClinVar:

ClinVar aggregate classification (germline): Pathogenic. Review status: criteria provided, multiple submitters, no conflicts (2 of 4 stars). 2 submissions from 2 submitters: Pathogenic (2). Last evaluated 2026-07-01.

Conditions:
Glycogen storage disease, type II (IOPD). Also called: POMPE DISEASE, INFANTILE-ONSET; GLYCOGEN STORAGE DISEASE II, INFANTILE-ONSET; ACID ALPHA-GLUCOSIDASE DEFICIENCY, INFANTILE-ONSET; GAA DEFICIENCY, INFANTILE-ONSET; ACID MALTASE DEFICIENCY, INFANTILE-ONSET; Glucosidase acid-1,4-alpha deficiency. Identifiers: Orphanet 365, MedGen C0017921, MONDO:0009290, OMIM 232300.

Submissions (2):

Genomenon, Inc
Classification: Pathogenic for Glycogen storage disease, type II. Last evaluated: 2026-07-01. Review status: criteria provided, single submitter. Criteria: Genomenon Sequence Variant Interpretation Standards - Updated. Collection method: curation. Allele origin: germline. Affected: yes.
Comment: GAA p.Trp498Ter (c.1493G>A) is a nonsense variant that introduces a premature stop codon at amino acid position 498 and is predicted to result in a truncated or absent protein product. This variant has been observed in at least one proband with a GAA-related disorder (PMID:31606152). It is absent or not present at a significant frequency in gnomAD. In conclusion, we classify GAA p.Trp498Ter (c.1493G>A) as a pathogenic variant.

Myriad Genetics, Inc.
Classification: Pathogenic for Glycogen storage disease, type II. Last evaluated: 2025-12-18. Review status: criteria provided, single submitter. Criteria: Myriad Autosomal Dominant, Autosomal Recessive and X-Linked Classification Criteria (2023). Collection method: clinical testing. Allele origin: unknown.
Comment: NM_000152.3(GAA):c.1493G>A(W498*) is expected to be pathogenic in the context of Pompe disease. This variant is predicted to lead to an abnormal or absent protein product due to the creation of a premature termination codon in GAA, a gene where loss-of-function variants are known to be pathogenic. Please note: this variant was assessed in the context of healthy population screening.

Literature cited by the submitters: PubMed 31606152 (cited by Genomenon, Inc).

NM_000152.5(GAA):c.1493G>A (p.Trp498Ter)

Gene: GAA (alpha glucosidase; plus strand). Cytogenetic location: 17q25.3.
Variant type: single nucleotide variant.
Coding change: c.1493G>A on transcript NM_000152.5 (MANE Select); coding-DNA position 1493, G replaced by A.
Protein change: p.Trp498Ter; replaces tryptophan 498 with a stop codon.
Molecular consequence: nonsense.
Genome position (GRCh38, 1-based): chr17:80,110,782, G>A. VCF-style: chr17-80110782-G-A. GRCh37 (hg19) VCF-style: chr17-78084581-G-A.
Other names: c.1493G>A, p.Trp498Ter (NM_001079803.3, NM_001079804.3, NM_001406741.1 and 1 more transcripts); short protein forms W498*.
Identifiers: ClinVar variation 4876311 (VCV004876311.2).